The following is an entry in ClinVar:

ClinVar aggregate classification (germline): Pathogenic (1 of 4 stars; one submission).

Submission:

Labcorp Genetics (formerly Invitae), Labcorp
Classification: Pathogenic. Last evaluated: 2019-10-28. Review status: criteria provided, single submitter. Criteria: Invitae Variant Classification Sherloc (09022015). Collection method: clinical testing. Allele origin: germline.
Comment: This variant is an out-of-frame deletion of the genomic region encompassing exon 27 of the USH2A gene. This is expected to create a premature translational stop signal and result in an absent or disrupted protein product. The deletion of USH2A exon 27 has been observed in individuals affected with USH2A-related conditions (PMID: 24043777, 23924366). Loss-of-function variants in USH2A are known to be pathogenic (PMID: 10729113, 10909849, 20507924, 25649381). For these reasons, this variant has been classified as Pathogenic.

Literature cited by the submitters: PubMed 23924366; PubMed 24043777.

NM_206933.2(USH2A):c.(?_5299)_(5572_?)del

Genes: USH2A (usherin; minus strand), USH2A-AS2 (USH2A antisense RNA 2; plus strand). Cytogenetic location: 1q41.
Variant type: Deletion.
Coding change: c.(?_5299)_(5572_?)del on transcript NM_206933.2; a large deletion whose breakpoints are not mapped to the base.
Other names: c.(?_5299)_(5572_?)del (NM_206933.2).
Identifiers: ClinVar variation 179214 (VCV000179214.4).